The following is an entry in ClinVar:

ClinVar aggregate classification (germline): Benign/Likely benign. Review status: criteria provided, multiple submitters, no conflicts (2 of 4 stars). 9 submissions from 8 submitters: Benign (6); Likely benign (2). 1 of the submissions does not count toward it. Last evaluated 2026-09-01.

Conditions:
Emery-Dreifuss muscular dystrophy 4, autosomal dominant (EDMD4). Also called: EMERY-DREIFUSS MUSCULAR DYSTROPHY 4 WITH VARIABLE FEATURES. Identifiers: Orphanet 261, MedGen C2751807, MONDO:0013071, OMIM 612998.
Autosomal recessive ataxia, Beauce type. Also called: SYNE1-Related Autosomal Recessive Cerebellar Ataxia; SYNE1 Deficiency; ATAXIA, RECESSIVE, OF BEAUCE; Spinocerebellar ataxia, autosomal recessive 8. Identifiers: Orphanet 88644, MedGen C1853116, MONDO:0012549, OMIM 610743.
Arthrogryposis multiplex congenita 3, myogenic type. Also called: ARTHROGRYPOSIS MULTIPLEX CONGENITA, MYOGENIC TYPE. Identifiers: MedGen C5193121, MONDO:0032778, OMIM 618484.
SYNE1-related disorder. Also called: SYNE1-related disorders; SYNE1-related disease; SYNE1-related condition.

Allele frequency attached by ClinVar (database versions not stated): 1000 Genomes Project 0.00359; 1000 Genomes Project 30x 0.00359; gnomAD 0.00001 and 0.00038; TOPMed 0.00006.
gnomAD v4.1: 991 of 1,614,060 alleles (0.061%); highest among the groups gnomAD compares: South Asian, 1%; 19 homozygotes.

Submissions (9):

CeGaT Center for Human Genetics Tuebingen
Classification: Likely benign. Last evaluated: 2026-09-01. Review status: criteria provided, single submitter. Criteria: CeGaT Center For Human Genetics Tuebingen Variant Classification Criteria Version 2. Collection method: clinical testing. Allele origin: germline. Affected: yes. Observed: 2 variant alleles.
Comment: SYNE1: BP4, BS2

Labcorp Genetics (formerly Invitae), Labcorp
Classification: Benign for Emery-Dreifuss muscular dystrophy 4, autosomal dominant; Autosomal recessive ataxia, Beauce type. Last evaluated: 2025-10-14. Review status: criteria provided, single submitter. Criteria: Invitae Variant Classification Sherloc (09022015). Collection method: clinical testing. Allele origin: germline.

Fulgent Genetics
Classification: Likely benign for Autosomal recessive ataxia, Beauce type; Emery-Dreifuss muscular dystrophy 4, autosomal dominant; Arthrogryposis multiplex congenita 3, myogenic type. Last evaluated: 2021-10-27. Review status: criteria provided, single submitter. Criteria: ACMG Guidelines, 2015. Collection method: clinical testing. Allele origin: unknown.

Athena Diagnostics
Classification: Benign. Last evaluated: 2018-07-24. Review status: criteria provided, single submitter. Criteria: Athena Diagnostics Criteria. Collection method: clinical testing. Allele origin: germline.

GeneDx
Classification: Benign. Last evaluated: 2018-05-07. Review status: criteria provided, single submitter. Criteria: GeneDx Variant Classification (06012015). Collection method: clinical testing. Allele origin: germline. Affected: yes.
Comment: This variant is considered likely benign or benign based on one or more of the following criteria: it is a conservative change, it occurs at a poorly conserved position in the protein, it is predicted to be benign by multiple in silico algorithms, and/or has population frequency not consistent with disease.

Illumina Laboratory Services, Illumina
Classification: Benign for Emery-Dreifuss muscular dystrophy 4, autosomal dominant. Last evaluated: 2018-01-13. Review status: criteria provided, single submitter. Criteria: ICSL Variant Classification Criteria 13 December 2019. Collection method: clinical testing. Allele origin: germline.
Comment: This variant was observed in the ICSL laboratory as part of a predisposition screen in an ostensibly healthy population. It had not been previously curated by ICSL or reported in the Human Gene Mutation Database (HGMD: prior to June 1st, 2018), and was therefore a candidate for classification through an automated scoring system. Utilizing variant allele frequency, disease prevalence and penetrance estimates, and inheritance mode, an automated score was calculated to assess if this variant is too frequent to cause the disease. Based on the score and internal cut-off values, a variant classified as benign is not then subjected to further curation. The score for this variant resulted in a classification of benign for this disease.

Illumina Laboratory Services, Illumina
Classification: Benign for Autosomal recessive ataxia, Beauce type. Last evaluated: 2018-01-13. Review status: criteria provided, single submitter. Criteria: ICSL Variant Classification Criteria 13 December 2019. Collection method: clinical testing. Allele origin: germline.
Comment: the same text as in the submission from Illumina Laboratory Services, Illumina above.

Eurofins Ntd Llc (ga)
Classification: Benign. Last evaluated: 2016-02-25. Review status: criteria provided, single submitter. Criteria: EGL Classification Definitions 2015. Collection method: clinical testing. Allele origin: germline. Observed: 1 variant allele, 1 heterozygote.

PreventionGenetics, part of Exact Sciences
Classification: Benign for SYNE1-related condition. Last evaluated: 2019-04-22. Review status: no assertion criteria provided. Collection method: clinical testing. Allele origin: germline. Not counted in ClinVar's aggregate classification.
Comment: This variant is classified as benign based on ACMG/AMP sequence variant interpretation guidelines (Richards et al. 2015 PMID: 25741868, with internal and published modifications).

NM_182961.4(SYNE1):c.4889C>T (p.Ala1630Val)

Gene: SYNE1 (spectrin repeat containing nuclear envelope protein 1; minus strand). Cytogenetic location: 6q25.2.
Variant type: single nucleotide variant.
Coding change: c.4889C>T on transcript NM_182961.4 (MANE Select); coding-DNA position 4889, C replaced by T.
Protein change: p.Ala1630Val; replaces alanine 1630 with valine.
Molecular consequence: missense variant.
Genome position (GRCh38, 1-based): chr6:152,428,292, G>A on the plus strand (C>T on the coding strand, the complement: SYNE1 is on the minus strand). VCF-style: chr6-152428292-G-A. GRCh37 (hg19) VCF-style: chr6-152749427-G-A.
Other names: c.4910C>T, p.Ala1637Val (NM_033071.5); short protein forms A1637V, A1630V.
Identifiers: ClinVar variation 286464 (VCV000286464.45), dbSNP rs566004273, ClinGen allele CA4058432.